The following is an entry in ClinVar:

NM_001289808.2(CRYAB):c.302A>T (p.His101Leu)

Gene: CRYAB (crystallin alpha B; minus strand). Cytogenetic location: 11q23.1.
Variant type: single nucleotide variant.
Coding change: c.302A>T on transcript NM_001289808.2 (MANE Select); coding-DNA position 302, A replaced by T.
Protein change: p.His101Leu; replaces histidine 101 with leucine.
Molecular consequence: missense variant.
Genome position (GRCh38, 1-based): chr11:111,910,349, T>A on the plus strand (A>T on the coding strand, the complement: CRYAB is on the minus strand). VCF-style: chr11-111910349-T-A. GRCh37 (hg19) VCF-style: chr11-111781073-T-A.
Other names: c.302A>T, p.His101Leu (NM_001289807.1, NM_001368245.1, NM_001885.3); c.101A>T, p.His34Leu (NM_001330379.1, NM_001368246.1); short protein forms H101L, H34L.
Identifiers: ClinVar variation 1007325 (VCV001007325.8), dbSNP rs1965414373, ClinGen allele CA382599114.

ClinVar aggregate classification (germline): Uncertain significance (1 of 4 stars; one submission).

Conditions:
Dilated cardiomyopathy 1II (CMD1II). Identifiers: Orphanet 154, MedGen C3554649, MONDO:0014073, OMIM 615184.

Submission:

Labcorp Genetics (formerly Invitae), Labcorp
Classification: Uncertain significance for Dilated cardiomyopathy 1II. Last evaluated: 2020-10-05. Review status: criteria provided, single submitter. Criteria: Invitae Variant Classification Sherloc (09022015). Collection method: clinical testing. Allele origin: germline.
Comment: This sequence change replaces histidine with leucine at codon 101 of the CRYAB protein (p.His101Leu). The histidine residue is highly conserved and there is a moderate physicochemical difference between histidine and leucine. In summary, the available evidence is currently insufficient to determine the role of this variant in disease. Therefore, it has been classified as a Variant of Uncertain Significance. Algorithms developed to predict the effect of missense changes on protein structure and function (SIFT, PolyPhen-2, Align-GVGD) all suggest that this variant is likely to be disruptive, but these predictions have not been confirmed by published functional studies and their clinical significance is uncertain. This variant has not been reported in the literature in individuals with CRYAB-related conditions. This variant is not present in population databases (ExAC no frequency).